The following is an entry in ClinVar:

ClinVar aggregate classification (germline): Uncertain significance (1 of 4 stars; one submission).

Conditions:
Inborn genetic diseases. Identifiers: MedGen C0950123, MeSH D030342.

Submission:

Ambry Genetics
Classification: Uncertain significance for Inborn genetic diseases. Last evaluated: 2025-07-06. Review status: criteria provided, single submitter. Criteria: Ambry Variant Classification Scheme 2023. Collection method: clinical testing. Allele origin: germline.
Comment: The p.K451N variant (also known as c.1353G>C), located in coding exon 8 of the FANCM gene, results from a G to C substitution at nucleotide position 1353. The lysine at codon 451 is replaced by asparagine, an amino acid with similar properties. This amino acid position is conserved. In addition, this alteration is predicted to be tolerated by in silico analysis. Based on the available evidence, the clinical significance of this variant remains unclear.

NM_020937.4(FANCM):c.1353G>C (p.Lys451Asn)

Gene: FANCM (FA complementation group M; plus strand). Cytogenetic location: 14q21.2.
Variant type: single nucleotide variant.
Coding change: c.1353G>C on transcript NM_020937.4 (MANE Select); coding-DNA position 1353, G replaced by C.
Protein change: p.Lys451Asn; replaces lysine 451 with asparagine.
Molecular consequence: missense variant.
Genome position (GRCh38, 1-based): chr14:45,155,416, G>C. VCF-style: chr14-45155416-G-C. GRCh37 (hg19) VCF-style: chr14-45624619-G-C.
Other names: c.1275G>C, p.Lys425Asn (NM_001308133.2); c.1353G>C, p.Lys451Asn (NM_001308134.2); short protein forms K425N, K451N.
Identifiers: ClinVar variation 4254575 (VCV004254575.1).
Genomic context (GRCh38, chr14:45,155,416, plus strand): 5'-TTTTTGTTTTGTTCCAGGAGATAAAAATAAAAAATTTGTTTATAGTCATCCAAAGTTAAA[G>C]AAATTAGAAGAAGTTGTAATTGAACACTTCAAGTCATGGAATGGTAGGTCATATTTAGTA-3'
Protein context (NP_065988.1, residues 441-461): KKFVYSHPKL[Lys451Asn]KLEEVVIEHF